The following is an entry in ClinVar:

NM_006440.5(TXNRD2):c.751A>C (p.Ile251Leu)

Gene: TXNRD2 (thioredoxin reductase 2; minus strand). Cytogenetic location: 22q11.21.
Variant type: single nucleotide variant.
Coding change: c.751A>C on transcript NM_006440.5 (MANE Select); coding-DNA position 751, A replaced by C.
Protein change: p.Ile251Leu; replaces isoleucine 251 with leucine.
Molecular consequence: missense variant. On other transcripts: non-coding transcript variant (1).
Genome position (GRCh38, 1-based): chr22:19,898,062, T>G on the plus strand (A>C on the coding strand, the complement: TXNRD2 is on the minus strand). VCF-style: chr22-19898062-T-G. GRCh37 (hg19) VCF-style: chr22-19885585-T-G.
Other names: c.751A>C, p.Ile251Leu (NM_001282512.3); c.748A>C, p.Ile250Leu (NM_001352300.2); c.661A>C, p.Ile221Leu (NM_001352301.2); c.463A>C, p.Ile155Leu (NM_001352302.2); c.655A>C, p.Ile219Leu (NM_001352303.2); short protein forms I250L, I155L, I219L, I221L, I251L.
Identifiers: ClinVar variation 2564293 (VCV002564293.2), dbSNP rs966662412, ClinGen allele CA410687364.

ClinVar aggregate classification (germline): Uncertain significance (1 of 4 stars; one submission).

Conditions:
Cardiovascular phenotype. Identifiers: MedGen CN230736.

Allele frequency attached by ClinVar (database versions not stated): gnomAD exomes 0.00001; TOPMed 0.00001.
gnomAD v4.1: 11 of 1,561,366 alleles (0.0007%); highest among the groups gnomAD compares: Non-Finnish European, 0.00095%; no homozygotes.

Submission:

Ambry Genetics
Classification: Uncertain significance for Cardiovascular phenotype. Last evaluated: 2023-05-27. Review status: criteria provided, single submitter. Criteria: Ambry Variant Classification Scheme 2023. Collection method: clinical testing. Allele origin: germline.
Comment: The p.I251L variant (also known as c.751A>C), located in coding exon 10 of the TXNRD2 gene, results from an A to C substitution at nucleotide position 751. The isoleucine at codon 251 is replaced by leucine, an amino acid with highly similar properties. This amino acid position is conserved. In addition, this alteration is predicted to be tolerated by in silico analysis. Since supporting evidence is limited at this time, the clinical significance of this alteration remains unclear.